The following is an entry in ClinVar:

NM_002878.4(RAD51D):c.782A>C (p.Lys261Thr)

Genes: RAD51L3-RFFL (RAD51L3-RFFL readthrough; minus strand), RAD51D (RAD51 paralog D; minus strand). Cytogenetic location: 17q12.
Variant type: single nucleotide variant.
Coding change: c.782A>C on transcript NM_002878.4 (MANE Select); coding-DNA position 782, A replaced by C.
Protein change: p.Lys261Thr; replaces lysine 261 with threonine.
Molecular consequence: missense variant. On other transcripts: non-coding transcript variant (3).
Genome position (GRCh38, 1-based): chr17:35,101,322, T>G on the plus strand (A>C on the coding strand, the complement: RAD51D is on the minus strand). VCF-style: chr17-35101322-T-G. GRCh37 (hg19) VCF-style: chr17-33428341-T-G.
Other names: c.842A>C, p.Lys281Thr (NM_001142571.2); c.446A>C, p.Lys149Thr (NM_133629.3); short protein forms K261T, K281T, K149T.
Identifiers: ClinVar variation 410569 (VCV000410569.15), dbSNP rs1060502964, ClinGen allele CA16615596.

ClinVar aggregate classification (germline): Uncertain significance. Review status: criteria provided, multiple submitters, no conflicts (2 of 4 stars). 4 submissions from 4 submitters: Uncertain significance (2). 2 of the submissions do not count toward it. Last evaluated 2023-03-15.

Conditions:
Hereditary cancer-predisposing syndrome. Also called: Tumor predisposition; Hereditary Cancer Syndrome; Hereditary neoplastic syndrome; Neoplastic Syndromes, Hereditary. Identifiers: Orphanet 140162, MedGen C0027672, MeSH D009386, MONDO:0015356.
Breast-ovarian cancer, familial, susceptibility to, 4. Identifiers: Orphanet 145, MedGen C3280345, MONDO:0013669, OMIM 614291.

Allele frequency attached by ClinVar (database versions not stated): gnomAD exomes below 0.00001.
gnomAD v4.1: 2 of 1,614,154 alleles (0.00012%); highest among the groups gnomAD compares: Non-Finnish European, 0.00017%; no homozygotes.

Submissions (4):

Ambry Genetics
Classification: Uncertain significance for Hereditary cancer-predisposing syndrome. Last evaluated: 2023-03-15. Review status: criteria provided, single submitter. Criteria: Ambry Variant Classification Scheme 2023. Collection method: clinical testing. Allele origin: germline.
Comment: The p.K261T variant (also known as c.782A>C), located in coding exon 9 of the RAD51D gene, results from an A to C substitution at nucleotide position 782. The lysine at codon 261 is replaced by threonine, an amino acid with similar properties. This variant was not reported in population based cohorts in the following databases: Database of Single Nucleotide Polymorphisms (dbSNP), NHLBI Exome Sequencing Project (ESP), and 1000 Genomes Project. In the ESP, this variant was not observed in 6503 samples (13006 alleles) with coverage at this position. To date, this alteration has been detected with an allele frequency of approximately 0.001% (greater than 175000 alleles tested) in our clinical cohort. This amino acid position is well conserved in available vertebrate species. In addition, this alteration is predicted to be tolerated by in silico analysis. Since supporting evidence is limited at this time, the clinical significance of this alteration remains unclear.

Labcorp Genetics (formerly Invitae), Labcorp
Classification: Uncertain significance for Breast-ovarian cancer, familial, susceptibility to, 4. Last evaluated: 2022-05-27. Review status: criteria provided, single submitter. Criteria: Invitae Variant Classification Sherloc (09022015). Collection method: clinical testing. Allele origin: germline.
Comment: In summary, the available evidence is currently insufficient to determine the role of this variant in disease. Therefore, it has been classified as a Variant of Uncertain Significance. Algorithms developed to predict the effect of missense changes on protein structure and function are either unavailable or do not agree on the potential impact of this missense change (SIFT: "Deleterious"; PolyPhen-2: "Probably Damaging"; Align-GVGD: "Class C0"). ClinVar contains an entry for this variant (Variation ID: 410569). This variant has not been reported in the literature in individuals affected with RAD51D-related conditions. This variant is present in population databases (no rsID available, gnomAD 0.0009%). This sequence change replaces lysine, which is basic and polar, with threonine, which is neutral and polar, at codon 261 of the RAD51D protein (p.Lys261Thr).

Diagnostic Laboratory, Department of Genetics, University Medical Center Groningen
Classification: Uncertain significance. Review status: no assertion criteria provided. Collection method: clinical testing. Allele origin: germline. Affected: yes. Study: VKGL Data-share Consensus. Not counted in ClinVar's aggregate classification.

Joint Genome Diagnostic Labs from Nijmegen and Maastricht, Radboudumc and MUMC+
Classification: Uncertain significance. Review status: no assertion criteria provided. Collection method: clinical testing. Allele origin: germline. Affected: yes. Study: VKGL Data-share Consensus. Not counted in ClinVar's aggregate classification.